The following is an entry in ClinVar:

ClinVar aggregate classification (germline): Pathogenic (1 of 4 stars; one submission).

Conditions:
Early-infantile DEE. Also called: Early infantile epileptic encephalopathy; Ohtahara syndrome; Early infantile epileptic encephalopathy with suppression bursts. Identifiers: Orphanet 1934, MedGen C0393706, MONDO:0800491.

Submission:

Labcorp Genetics (formerly Invitae), Labcorp
Classification: Pathogenic for Early-infantile DEE. Last evaluated: 2022-07-01. Review status: criteria provided, single submitter. Criteria: Invitae Variant Classification Sherloc (09022015). Collection method: clinical testing. Allele origin: germline.
Comment: For these reasons, this variant has been classified as Pathogenic. Algorithms developed to predict the effect of sequence changes on RNA splicing suggest that this variant may create or strengthen a splice site. This variant has not been reported in the literature in individuals affected with KCNQ2-related conditions. This variant is not present in population databases (gnomAD no frequency). This sequence change creates a premature translational stop signal (p.Ala184Profs*25) in the KCNQ2 gene. It is expected to result in an absent or disrupted protein product. Loss-of-function variants in KCNQ2 are known to be pathogenic (PMID: 14534157, 23692823, 27779742).

Literature cited by the submitters: PubMed 14534157; PubMed 23692823; PubMed 27779742.

NM_172107.4(KCNQ2):c.550del (p.Ala184fs)

Gene: KCNQ2 (potassium voltage-gated channel subfamily Q member 2; minus strand). Cytogenetic location: 20q13.33.
Variant type: Deletion.
Coding change: c.550del on transcript NM_172107.4 (MANE Select); coding-DNA position 550, one base deleted (G; older notation c.550delG).
Protein change: p.Ala184fs; shifts the reading frame from alanine 184.
Molecular consequence: frameshift variant.
Genome position (GRCh38, 1-based): chr20:63,444,799, C deleted on the plus strand (G on the coding strand, the reverse complement: KCNQ2 is on the minus strand); the first of 2 consecutive C bases (chr20:63,444,799-63,444,800); deleting either gives the same sequence. VCF-style (leftmost placement, unchanged base first): chr20-63444798-GC-G. GRCh37 (hg19) VCF-style: chr20-62076151-GC-G.
Other names: c.550del, p.Ala184fs (NM_001382235.1, NM_004518.6, NM_172106.3 and 2 more transcripts); short protein forms A184fs.
Identifiers: ClinVar variation 2012706 (VCV002012706.4), dbSNP rs2516504625, ClinGen allele CA2580098405.
Genomic context (GRCh38, chr20:63,444,798, plus strand): 5'-TGCAGGAAGCGCAGGCTCCGGAGCGCAGATGTGGCAAAGACGTTGCCCTGGGAGCCGGCG[GC>G]CAGCACCGCAATGGAGGCGATGAGCACCATGATGTCTACAAAGCGGGCGTGGAGCTGGTG-3'